The following is an entry in ClinVar:

ClinVar aggregate classification (germline): Uncertain significance (1 of 4 stars; one submission).

Conditions:
Hereditary cancer-predisposing syndrome. Also called: Hereditary neoplastic syndrome; Tumor predisposition; Hereditary Cancer Syndrome; Neoplastic Syndromes, Hereditary. Identifiers: Orphanet 140162, MedGen C0027672, MeSH D009386, MONDO:0015356.

Submission:

Ambry Genetics
Classification: Uncertain significance for Hereditary cancer-predisposing syndrome. Last evaluated: 2023-06-18. Review status: criteria provided, single submitter. Criteria: Ambry Variant Classification Scheme 2023. Collection method: clinical testing. Allele origin: germline.
Comment: The p.G702A variant (also known as c.2105G>C), located in coding exon 15 of the APC gene, results from a G to C substitution at nucleotide position 2105. The glycine at codon 702 is replaced by alanine, an amino acid with similar properties. This amino acid position is conserved. In addition, in silico predictors for this gene do not accurately predict pathogenicity. Since supporting evidence is limited at this time, the clinical significance of this alteration remains unclear.

NM_000038.6(APC):c.2105G>C (p.Gly702Ala)

Gene: APC (APC regulator of Wnt signaling pathway; plus strand). Cytogenetic location: 5q22.2.
Variant type: single nucleotide variant.
Coding change: c.2105G>C on transcript NM_000038.6 (MANE Select); coding-DNA position 2105, G replaced by C.
Protein change: p.Gly702Ala; replaces glycine 702 with alanine.
Molecular consequence: missense variant. On other transcripts: non-coding transcript variant (2).
Genome position (GRCh38, 1-based): chr5:112,837,699, G>C. VCF-style: chr5-112837699-G-C. GRCh37 (hg19) VCF-style: chr5-112173396-G-C.
Other names: c.2105G>C, p.Gly702Ala (NM_001127510.3, NM_001354895.2, NM_001407450.1); c.2051G>C, p.Gly684Ala (NM_001127511.3); c.2159G>C, p.Gly720Ala (NM_001354896.2, NM_001407447.1, NM_001407448.1 and 1 more transcripts); c.2135G>C, p.Gly712Ala (NM_001354897.2); c.2030G>C, p.Gly677Ala (NM_001354898.2); c.2021G>C, p.Gly674Ala (NM_001354899.2); c.1982G>C, p.Gly661Ala (NM_001354900.2); c.1928G>C, p.Gly643Ala (NM_001354901.2, NM_001407453.1); and 11 more; short protein forms G573A, G576A, G601A, G674A, G692A, G702A, G712A, G542A.
Identifiers: ClinVar variation 2586972 (VCV002586972.2), dbSNP rs876658289, ClinGen allele CA16025933.